The following is an entry in ClinVar:

NM_001165963.4(SCN1A):c.2860G>A (p.Glu954Lys)

Gene: SCN1A (sodium voltage-gated channel alpha subunit 1; minus strand). Cytogenetic location: 2q24.3.
Variant type: single nucleotide variant.
Coding change: c.2860G>A on transcript NM_001165963.4 (MANE Select); coding-DNA position 2860, G replaced by A.
Protein change: p.Glu954Lys; replaces glutamic acid 954 with lysine.
Molecular consequence: missense variant. On other transcripts: non-coding transcript variant (1).
Genome position (GRCh38, 1-based): chr2:166,037,862, C>T on the plus strand (G>A on the coding strand, the complement: SCN1A is on the minus strand). VCF-style: chr2-166037862-C-T. GRCh37 (hg19) VCF-style: chr2-166894372-C-T.
Other names: c.2776G>A, p.Glu926Lys (NM_001165964.3, NM_001353957.2, NM_001353958.2); c.2860G>A, p.Glu954Lys (NM_001202435.3, NM_001353948.2); c.2827G>A, p.Glu943Lys (NM_001353949.2, NM_001353950.2, NM_001353951.2 and 2 more transcripts); c.2824G>A, p.Glu942Lys (NM_001353954.2, NM_001353955.2); c.2773G>A, p.Glu925Lys (NM_001353960.2); c.418G>A, p.Glu140Lys (NM_001353961.2); short protein forms E943K, E954K, E925K, E942K, E926K, E140K.
Identifiers: ClinVar variation 68606 (VCV000068606.10), dbSNP rs121918786, ClinGen allele CA285102.

ClinVar aggregate classification (germline): Pathogenic. Review status: criteria provided, single submitter (1 of 4 stars). 2 submissions from 2 submitters: Pathogenic (1). 1 of the submissions does not count toward it. Last evaluated 2024-10-10.

Conditions:
Early-infantile DEE. Also called: Early infantile epileptic encephalopathy; Early infantile epileptic encephalopathy with suppression bursts; Ohtahara syndrome. Identifiers: Orphanet 1934, MedGen C0393706, MONDO:0800491.
Severe myoclonic epilepsy in infancy (DRVT). Also called: SEVERE MYOCLONIC EPILEPSY OF INFANCY; DEVELOPMENTAL AND EPILEPTIC ENCEPHALOPATHY 6A; Severe Myoclonic Epilepsy in Infancy (SMEI); Dravet syndrome; Epileptic encephalopathy, early infantile, 6 (Dravet syndrome). Identifiers: Orphanet 33069, MedGen C0751122, MONDO:0100135, OMIM 607208.

Submissions (2):

Labcorp Genetics (formerly Invitae), Labcorp
Classification: Pathogenic for Early-infantile DEE. Last evaluated: 2024-10-10. Review status: criteria provided, single submitter. Criteria: Invitae Variant Classification Sherloc (09022015). Collection method: clinical testing. Allele origin: germline.
Comment: This sequence change replaces glutamic acid, which is acidic and polar, with lysine, which is basic and polar, at codon 954 of the SCN1A protein (p.Glu954Lys). The frequency data for this variant in the population databases is considered unreliable, as metrics indicate poor data quality at this position in the gnomAD database. This missense change has been observed in individual(s) with classic Dravet syndrome or severe myoclonic epilepsy of infancy (PMID: 20110217, 21248271). ClinVar contains an entry for this variant (Variation ID: 68606). Invitae Evidence Modeling of protein sequence and biophysical properties (such as structural, functional, and spatial information, amino acid conservation, physicochemical variation, residue mobility, and thermodynamic stability) indicates that this missense variant is expected to disrupt SCN1A protein function with a positive predictive value of 95%. This variant disrupts the p.Glu954 amino acid residue in SCN1A. Other variant(s) that disrupt this residue have been determined to be pathogenic (internal data). This suggests that this residue is clinically significant, and that variants that disrupt this residue are likely to be disease-causing. For these reasons, this variant has been classified as Pathogenic.

UniProtKB/Swiss-Prot
No classification provided. Condition: Severe myoclonic epilepsy in infancy. Review status: no classification provided. Collection method: not provided. Allele origin: not provided. Not counted in ClinVar's aggregate classification.

Literature cited by the submitters: PubMed 20110217 (cited by Labcorp Genetics (formerly Invitae), Labcorp); PubMed 21248271 (cited by Labcorp Genetics (formerly Invitae), Labcorp).